The following is an entry in ClinVar:

ClinVar aggregate classification (germline): Uncertain significance (1 of 4 stars; one submission).

Conditions:
Ciliary dyskinesia, primary, 37 (CILD37). Also called: CILIARY DYSKINESIA, PRIMARY, 37, WITH OR WITHOUT SITUS INVERSUS. Identifiers: MedGen C4539798, MONDO:0033204, OMIM 617577.
Spermatogenic failure 18. Identifiers: MedGen C4539783, MONDO:0054615, OMIM 617576.

Allele frequency attached by ClinVar (database versions not stated): gnomAD exomes below 0.00001; ExAC 0.00001.
gnomAD v4.1: 6 of 1,613,284 alleles (0.00037%); highest among the groups gnomAD compares: Non-Finnish European, 0.00051%; no homozygotes.

Submission:

Labcorp Genetics (formerly Invitae), Labcorp
Classification: Uncertain significance for Ciliary dyskinesia, primary, 37; Spermatogenic failure 18. Last evaluated: 2020-07-31. Review status: criteria provided, single submitter. Criteria: Invitae Variant Classification Sherloc (09022015). Collection method: clinical testing. Allele origin: germline.
Comment: This sequence change replaces asparagine with aspartic acid at codon 3281 of the DNAH1 protein (p.Asn3281Asp). The asparagine residue is highly conserved and there is a small physicochemical difference between asparagine and aspartic acid. This variant is present in population databases (rs756243834, ExAC 0.002%). This variant has not been reported in the literature in individuals with DNAH1-related conditions. Algorithms developed to predict the effect of missense changes on protein structure and function are either unavailable or do not agree on the potential impact of this missense change (SIFT: Deleterious; PolyPhen-2: Probably Damaging; Align-GVGD: Class C0). In summary, the available evidence is currently insufficient to determine the role of this variant in disease. Therefore, it has been classified as a Variant of Uncertain Significance.

NM_015512.5(DNAH1):c.9841A>G (p.Asn3281Asp)

Gene: DNAH1 (dynein axonemal heavy chain 1; plus strand). Cytogenetic location: 3p21.1.
Variant type: single nucleotide variant.
Coding change: c.9841A>G on transcript NM_015512.5 (MANE Select); coding-DNA position 9841, A replaced by G.
Protein change: p.Asn3281Asp; replaces asparagine 3281 with aspartic acid.
Molecular consequence: missense variant.
Genome position (GRCh38, 1-based): chr3:52,391,278, A>G. VCF-style: chr3-52391278-A-G. GRCh37 (hg19) VCF-style: chr3-52425294-A-G.
Other names: short protein forms N3281D.
Identifiers: ClinVar variation 1016721 (VCV001016721.1), dbSNP rs756243834, ClinGen allele CA2435628.